The following is an entry in ClinVar:

ClinVar aggregate classification (germline): Uncertain significance. Review status: criteria provided, multiple submitters, no conflicts (2 of 4 stars). 2 submissions from 2 submitters: Uncertain significance (2). Last evaluated 2025-08-09.

Conditions:
Pontocerebellar hypoplasia type 1B. Also called: EXOSC3 Pontocerebellar Hypoplasia. Identifiers: Orphanet 2254, MedGen C3553449, MONDO:0013853, OMIM 614678.
Inborn genetic diseases. Identifiers: MedGen C0950123, MeSH D030342.

Allele frequency attached by ClinVar (database versions not stated): ExAC 0.00001; TOPMed 0.00002; gnomAD 0.00003 and 0.00004; 1000 Genomes Project 0.00020; 1000 Genomes Project 30x 0.00031.
gnomAD v4.1: 16 of 1,613,870 alleles (0.00099%); highest among the groups gnomAD compares: African/African-American, 0.0053%; no homozygotes.

Submissions (2):

Ambry Genetics
Classification: Uncertain significance for Inborn genetic diseases. Last evaluated: 2025-08-09. Review status: criteria provided, single submitter. Criteria: Ambry Variant Classification Scheme 2023. Collection method: clinical testing. Allele origin: germline.

Labcorp Genetics (formerly Invitae), Labcorp
Classification: Uncertain significance for Pontocerebellar hypoplasia type 1B. Last evaluated: 2021-08-28. Review status: criteria provided, single submitter. Criteria: Invitae Variant Classification Sherloc (09022015). Collection method: clinical testing. Allele origin: germline.
Comment: This sequence change replaces threonine with methionine at codon 261 of the EXOSC3 protein (p.Thr261Met). The threonine residue is highly conserved and there is a moderate physicochemical difference between threonine and methionine. This variant is present in population databases (rs565320740, ExAC 0.01%). This variant has not been reported in the literature in individuals affected with EXOSC3-related conditions. Algorithms developed to predict the effect of missense changes on protein structure and function are either unavailable or do not agree on the potential impact of this missense change (SIFT: "Deleterious"; PolyPhen-2: "Probably Damaging"; Align-GVGD: "Class C15"). In summary, the available evidence is currently insufficient to determine the role of this variant in disease. Therefore, it has been classified as a Variant of Uncertain Significance.

NM_016042.4(EXOSC3):c.782C>T (p.Thr261Met)

Gene: EXOSC3 (exosome component 3; minus strand). Cytogenetic location: 9p13.2.
Variant type: single nucleotide variant.
Coding change: c.782C>T on transcript NM_016042.4 (MANE Select); coding-DNA position 782, C replaced by T.
Protein change: p.Thr261Met; replaces threonine 261 with methionine.
Molecular consequence: missense variant. On other transcripts: 3 prime UTR variant (1).
Genome position (GRCh38, 1-based): chr9:37,780,725, G>A on the plus strand (C>T on the coding strand, the complement: EXOSC3 is on the minus strand). VCF-style: chr9-37780725-G-A. GRCh37 (hg19) VCF-style: chr9-37780722-G-A.
Other names: c.*135C>T (NM_001002269.2); c.782C>T (NM_016042.2); short protein forms T261M.
Identifiers: ClinVar variation 571172 (VCV000571172.7), dbSNP rs565320740, ClinGen allele CA5062668.
Genomic context (GRCh38, chr9:37,780,725, plus strand): 5'-AAAGTCCACCTATATCAACTTTCTGCCAATCTGGAGAAGATCTGTTTTCTTTGATCTGAC[G>A]TCATGTGTTCACAAGCTTCTAAAATGTTTGCCAAAATTAAAGTCTGCTGGATGGTTTTTG-3'
Protein context (NP_057126.2, residues 251-271): ANILEACEHM[Thr261Met]SDQRKQIFSR